The following is an entry in ClinVar:

NM_020247.5(COQ8A):c.1257-12_1257-9del

Gene: COQ8A (coenzyme Q8A; plus strand). Cytogenetic location: 1q42.13.
Variant type: Microsatellite.
Coding change: c.1257-12_1257-9del on transcript NM_020247.5 (MANE Select); 12 bases into the intron before coding-DNA position 1257 through 9 bases into the intron before coding-DNA position 1257, 4 bases deleted (TCCC; older notation c.1257-12_1257-9delTCCC).
Molecular consequence: intron variant.
Genome position (GRCh38, 1-based): chr1:226,984,082-226,984,085, TCCC deleted; deleting any 4 consecutive bases within chr1:226,984,076-226,984,085 gives the same sequence; the c. name uses the placement nearest the transcript's 3' end. VCF-style (leftmost placement, unchanged base first): chr1-226984075-ACCTC-A. GRCh37 (hg19) VCF-style: chr1-227171776-ACCTC-A.
Identifiers: ClinVar variation 2015557 (VCV002015557.4), dbSNP rs2528384445, ClinGen allele CA2580611554.

ClinVar aggregate classification (germline): Uncertain significance (1 of 4 stars; one submission).

Submission:

Labcorp Genetics (formerly Invitae), Labcorp
Classification: Uncertain significance. Last evaluated: 2022-07-09. Review status: criteria provided, single submitter. Criteria: Invitae Variant Classification Sherloc (09022015). Collection method: clinical testing. Allele origin: germline.
Comment: This variant is not present in population databases (gnomAD no frequency). This sequence change falls in intron 10 of the COQ8A gene. It does not directly change the encoded amino acid sequence of the COQ8A protein. This variant has not been reported in the literature in individuals affected with COQ8A-related conditions. In summary, the available evidence is currently insufficient to determine the role of this variant in disease. Therefore, it has been classified as a Variant of Uncertain Significance. Algorithms developed to predict the effect of sequence changes on RNA splicing suggest that this variant may create or strengthen a splice site.